The following is an entry in ClinVar:

ClinVar aggregate classification (germline): Uncertain significance. Review status: criteria provided, multiple submitters, no conflicts (2 of 4 stars). 8 submissions from 5 submitters: Uncertain significance (8). Last evaluated 2025-11-21.

Conditions:
Thyrotoxic periodic paralysis, susceptibility to, 1 (TTPP1). Identifiers: Orphanet 79102, MedGen C2749982, MONDO:0008570, OMIM 188580.
Malignant hyperthermia, susceptibility to, 5 (MHS5). Also called: CACNA1S-Related Malignant Hyperthermia Susceptibility. Identifiers: Orphanet 423, MedGen C1866077, MONDO:0011163, OMIM 601887.
Congenital myopathy 18. Also called: Myopathy, congenital, due to dihydropyridine receptor defect; DIHYDROPYRIDINE RECEPTOR CONGENITAL MYOPATHY; DHPR CONGENITAL MYOPATHY. Identifiers: MedGen C5830283, MONDO:0859514, OMIM 620246.
Hypokalemic periodic paralysis, type 1. Also called: HypoPP; Hypokalemic Periodic Paralysis Type 1 (AD). Identifiers: Orphanet 681, MedGen C3714580, MONDO:0042979, OMIM 170400.

Allele frequency attached by ClinVar (database versions not stated): TOPMed 0.00001; gnomAD exomes 0.00002; ExAC 0.00003.
gnomAD v4.1: 36 of 1,614,180 alleles (0.0022%); highest among the groups gnomAD compares: Non-Finnish European, 0.003%; no homozygotes.

Submissions (8):

Color Diagnostics, LLC DBA Color Health
Classification: Uncertain significance for Malignant hyperthermia, susceptibility to, 5. Last evaluated: 2025-11-21. Review status: criteria provided, single submitter. Criteria: ACMG Guidelines, 2015. Collection method: clinical testing. Allele origin: germline.
Comment: This missense variant replaces glutamine with glutamic acid at codon 1108 of the CACNA1S protein. Computational prediction suggests that this variant may have deleterious impact on protein structure and function. To our knowledge, functional studies have not been reported for this variant. This variant has not been reported in individuals affected with CACNA1S-related disorders in the literature. This variant has been identified in 36/1614180 chromosomes in the general population by the Genome Aggregation Database (gnomAD). The available evidence is insufficient to determine the role of this variant in disease conclusively. Therefore, this variant is classified as a Variant of Uncertain Significance.

Labcorp Genetics (formerly Invitae), Labcorp
Classification: Uncertain significance for Hypokalemic periodic paralysis, type 1; Malignant hyperthermia, susceptibility to, 5. Last evaluated: 2025-10-02. Review status: criteria provided, single submitter. Criteria: Invitae Variant Classification Sherloc (09022015). Collection method: clinical testing. Allele origin: germline.
Comment: This sequence change replaces glutamine, which is neutral and polar, with glutamic acid, which is acidic and polar, at codon 1108 of the CACNA1S protein (p.Gln1108Glu). This variant is present in population databases (rs765685405, gnomAD 0.005%). This variant has not been reported in the literature in individuals affected with CACNA1S-related conditions. ClinVar contains an entry for this variant (Variation ID: 541034). Invitae Evidence Modeling of protein sequence and biophysical properties (such as structural, functional, and spatial information, amino acid conservation, physicochemical variation, residue mobility, and thermodynamic stability) has been performed for this missense variant. However, the output from this modeling did not meet the statistical confidence thresholds required to predict the impact of this variant on CACNA1S protein function. In summary, the available evidence is currently insufficient to determine the role of this variant in disease. Therefore, it has been classified as a Variant of Uncertain Significance.

GeneDx
Classification: Uncertain significance. Last evaluated: 2024-11-08. Review status: criteria provided, single submitter. Criteria: GeneDx Variant Classification Process June 2021. Collection method: clinical testing. Allele origin: germline.
Comment: Reported in an individual with intraoperative awareness while under anesthesia in published literature (PMID: 31335548); In silico analysis supports that this missense variant has a deleterious effect on protein structure/function; This variant is associated with the following publications: (PMID: 31335548)

Blueprint Genetics
Classification: Uncertain significance. Last evaluated: 2024-10-18. Review status: criteria provided, single submitter. Criteria: ACMG Guidelines, 2015. Collection method: clinical testing. Allele origin: germline.

Genome-Nilou Lab
Classification: Uncertain significance for Malignant hyperthermia, susceptibility to, 5. Last evaluated: 2023-04-11. Review status: criteria provided, single submitter. Criteria: ACMG Guidelines, 2015. Collection method: clinical testing. Allele origin: germline. Affected: no.

Genome-Nilou Lab
Classification: Uncertain significance for Thyrotoxic periodic paralysis, susceptibility to, 1. Last evaluated: 2023-04-11. Review status: criteria provided, single submitter. Criteria: ACMG Guidelines, 2015. Collection method: clinical testing. Allele origin: germline. Affected: no.

Genome-Nilou Lab
Classification: Uncertain significance for Congenital myopathy 18. Last evaluated: 2023-04-11. Review status: criteria provided, single submitter. Criteria: ACMG Guidelines, 2015. Collection method: clinical testing. Allele origin: germline. Affected: no.

Genome-Nilou Lab
Classification: Uncertain significance for Hypokalemic periodic paralysis, type 1. Last evaluated: 2023-04-11. Review status: criteria provided, single submitter. Criteria: ACMG Guidelines, 2015. Collection method: clinical testing. Allele origin: germline. Affected: no.

NM_000069.3(CACNA1S):c.3322C>G (p.Gln1108Glu)

Gene: CACNA1S (calcium voltage-gated channel subunit alpha1 S; minus strand). Cytogenetic location: 1q32.1.
Variant type: single nucleotide variant.
Coding change: c.3322C>G on transcript NM_000069.3 (MANE Select); coding-DNA position 3322, C replaced by G.
Protein change: p.Gln1108Glu; replaces glutamine 1108 with glutamic acid.
Molecular consequence: missense variant.
Genome position (GRCh38, 1-based): chr1:201,060,750, G>C on the plus strand (C>G on the coding strand, the complement: CACNA1S is on the minus strand). VCF-style: chr1-201060750-G-C. GRCh37 (hg19) VCF-style: chr1-201029878-G-C.
Other names: short protein forms Q1108E.
Identifiers: ClinVar variation 541034 (VCV000541034.14), dbSNP rs765685405, ClinGen allele CA079637.